The following is an entry in ClinVar:

NM_000531.6(OTC):c.589G>A (p.Gly197Arg)

Gene: OTC (ornithine transcarbamylase; plus strand). Cytogenetic location: Xp11.4.
Variant type: single nucleotide variant.
Coding change: c.589G>A on transcript NM_000531.6 (MANE Select); coding-DNA position 589, G replaced by A.
Protein change: p.Gly197Arg; replaces glycine 197 with arginine.
Molecular consequence: missense variant.
Genome position (GRCh38, 1-based): chrX:38,403,666, G>A. VCF-style: chrX-38403666-G-A. GRCh37 (hg19) VCF-style: chrX-38262919-G-A.
Other names: NM_000531.6(OTC):c.589G>A; short protein forms G197R.
Identifiers: ClinVar variation 97260 (VCV000097260.15), dbSNP rs72556301, ClinGen allele CA224695.

ClinVar aggregate classification (germline): Likely pathogenic. Review status: reviewed by expert panel (3 of 4 stars). 6 submissions from 6 submitters: Likely pathogenic (1). 5 of the submissions do not count toward it. Last evaluated 2026-05-20.

Conditions:
Ornithine carbamoyltransferase deficiency (OTCD). Also called: Ornithine Carbamoyltransferase Deficiency Disease; ORNITHINE TRANSCARBAMYLASE DEFICIENCY; OTC DEFICIENCY; ORNITHINE TRANSCARBAMYLASE DEFICIENCY, HYPERAMMONEMIA DUE TO. Identifiers: Orphanet 664, MedGen C0268542, MONDO:0010703, OMIM 311250.

Submissions (6):

Clingen Urea Cycle Disorders Variant Curation Expert Panel, ClinGen
Classification: Likely pathogenic for Ornithine carbamoyltransferase deficiency. Last evaluated: 2026-05-20. Review status: reviewed by expert panel. Criteria: ClinGen UreaCycles ACMG Specifications OTC V1.0. Collection method: curation. Allele origin: germline. Inheritance: X-linked inheritance.
Comment: The NM_000531.6(OTC):c.589G>A variant in OTC is a missense variant predicted to cause substitution of Glycine by Arginine at amino acid 197(p.Gly197Arg). The computational predictor REVEL gives a score of 0.981, which is above the threshold of 0.932 and Strong evidence of impact on OTC function (PP3_Strong). This variant is absent from gnomAD v4.1.0 (PM2_Supporting). In summary, this variant meets the criteria to be classified as Likely Pathogenic for X-linked ornithine carbamoyltransferase deficiency based on the ACMG/AMP criteria applied, as specified by the ClinGen Urea Cycle Disorders VCEP: (OTC specifications version 1.0.0): PP3_strong, PP4_supporting, PM2_supporting.

Women's Health and Genetics/Laboratory Corporation of America, LabCorp
Classification: Pathogenic for Ornithine carbamoyltransferase deficiency. Last evaluated: 2025-04-01. Review status: criteria provided, single submitter. Criteria: LabCorp Variant Classification Summary - May 2015. Collection method: clinical testing. Allele origin: germline. Not counted in ClinVar's aggregate classification.
Comment: Variant summary: OTC c.589G>A (p.Gly197Arg) results in a non-conservative amino acid change in the encoded protein sequence. Five of five in-silico tools predict a damaging effect of the variant on protein function. The variant was absent in 183116 control chromosomes. c.589G>A has been reported in the literature in multiple individuals affected with Ornithine Transcarbamylase Deficiency (e.g. Climent_1999, Gobin-Limballe_2021). These data indicate that the variant is very likely to be associated with disease. At least one publication reports experimental evidence evaluating an impact on protein function and found that the variant results in approximately 10% enzyme activity versus the WT protein (Scharre_2022). The following publications have been ascertained in the context of this evaluation (PMID: 34014569, 10502831, 36217298). ClinVar contains an entry for this variant (Variation ID: 97260). Based on the evidence outlined above, the variant was classified as pathogenic.

Labcorp Genetics (formerly Invitae), Labcorp
Classification: Pathogenic for Ornithine carbamoyltransferase deficiency. Last evaluated: 2021-11-22. Review status: criteria provided, single submitter. Criteria: Invitae Variant Classification Sherloc (09022015). Collection method: clinical testing. Allele origin: germline. Not counted in ClinVar's aggregate classification.
Comment: This missense change has been observed in individuals with ornithine transcarbamylase deficiency (PMID: 10502831; Invitae). For these reasons, this variant has been classified as Pathogenic. This variant disrupts the p.Gly197 amino acid residue in OTC. Other variant(s) that disrupt this residue have been observed in individuals with OTC-related conditions (PMID: 10946359, 19138872), which suggests that this may be a clinically significant amino acid residue. Algorithms developed to predict the effect of sequence changes on RNA splicing suggest that this variant may create or strengthen a splice site. Advanced modeling of protein sequence and biophysical properties (such as structural, functional, and spatial information, amino acid conservation, physicochemical variation, residue mobility, and thermodynamic stability) performed at Invitae indicates that this missense variant is expected to disrupt OTC protein function. ClinVar contains an entry for this variant (Variation ID: 97260). This variant is not present in population databases (gnomAD no frequency). This sequence change replaces glycine, which is neutral and non-polar, with arginine, which is basic and polar, at codon 197 of the OTC protein (p.Gly197Arg).

Fulgent Genetics
Classification: Likely pathogenic for Ornithine carbamoyltransferase deficiency. Last evaluated: 2021-10-28. Review status: criteria provided, single submitter. Criteria: ACMG Guidelines, 2015. Collection method: clinical testing. Allele origin: unknown. Not counted in ClinVar's aggregate classification.

GeneDx
Classification: Pathogenic. Last evaluated: 2019-09-18. Review status: criteria provided, single submitter. Criteria: GeneDx Variant Classification Process June 2021. Collection method: clinical testing. Allele origin: germline. Affected: yes. Not counted in ClinVar's aggregate classification.
Comment: Not observed in large population cohorts (Lek et al., 2016); In silico analysis, which includes protein predictors and evolutionary conservation, supports a deleterious effect; This variant is associated with the following publications: (PMID: 28324312, 10502831)

GenMed Metabolism Lab
Classification: Pathogenic. Review status: no assertion criteria provided. Collection method: not provided. Allele origin: unknown. Not counted in ClinVar's aggregate classification.
ClinVar note: Converted during submission from pathogenic to Pathogenic.

Literature cited by the submitters: PubMed 34014569 (cited by Women's Health and Genetics/Laboratory Corporation of America, LabCorp); PubMed 36217298 (cited by Women's Health and Genetics/Laboratory Corporation of America, LabCorp); PubMed 10502831 (cited by Women's Health and Genetics/Laboratory Corporation of America, LabCorp and Labcorp Genetics (formerly Invitae), Labcorp); PubMed 10946359 (cited by Labcorp Genetics (formerly Invitae), Labcorp); PubMed 19138872 (cited by Labcorp Genetics (formerly Invitae), Labcorp).